The following is an entry in ClinVar:

NM_005732.4(RAD50):c.2360T>G (p.Val787Gly)

Gene: RAD50 (RAD50 double strand break repair protein; plus strand). Cytogenetic location: 5q31.1.
Variant type: single nucleotide variant.
Coding change: c.2360T>G on transcript NM_005732.4 (MANE Select); coding-DNA position 2360, T replaced by G.
Protein change: p.Val787Gly; replaces valine 787 with glycine.
Molecular consequence: missense variant.
Genome position (GRCh38, 1-based): chr5:132,603,452, T>G. VCF-style: chr5-132603452-T-G. GRCh37 (hg19) VCF-style: chr5-131939144-T-G.
Other names: short protein forms V787G.
Identifiers: ClinVar variation 408364 (VCV000408364.10), dbSNP rs1060501947, ClinGen allele CA16611967.

ClinVar aggregate classification (germline): Uncertain significance. Review status: criteria provided, multiple submitters, no conflicts (2 of 4 stars). 2 submissions from 2 submitters: Uncertain significance (2). Last evaluated 2025-01-11.

Conditions:
Hereditary cancer-predisposing syndrome. Also called: Hereditary Cancer Syndrome; Hereditary neoplastic syndrome; Neoplastic Syndromes, Hereditary; Tumor predisposition. Identifiers: Orphanet 140162, MedGen C0027672, MeSH D009386, MONDO:0015356.

Submissions (2):

Ambry Genetics
Classification: Uncertain significance for Hereditary cancer-predisposing syndrome. Last evaluated: 2025-01-11. Review status: criteria provided, single submitter. Criteria: Ambry Variant Classification Scheme 2023. Collection method: clinical testing. Allele origin: germline.
Comment: The p.V787G variant (also known as c.2360T>G), located in coding exon 14 of the RAD50 gene, results from a T to G substitution at nucleotide position 2360. The valine at codon 787 is replaced by glycine, an amino acid with dissimilar properties. This amino acid position is conserved. In addition, this alteration is predicted to be tolerated by in silico analysis. Based on the available evidence, the clinical significance of this variant remains unclear.

Labcorp Genetics (formerly Invitae), Labcorp
Classification: Uncertain significance for Hereditary cancer-predisposing syndrome. Last evaluated: 2022-06-28. Review status: criteria provided, single submitter. Criteria: Invitae Variant Classification Sherloc (09022015). Collection method: clinical testing. Allele origin: germline.
Comment: In summary, the available evidence is currently insufficient to determine the role of this variant in disease. Therefore, it has been classified as a Variant of Uncertain Significance. Algorithms developed to predict the effect of missense changes on protein structure and function (SIFT, PolyPhen-2, Align-GVGD) all suggest that this variant is likely to be tolerated. ClinVar contains an entry for this variant (Variation ID: 408364). This variant has not been reported in the literature in individuals affected with RAD50-related conditions. This variant is not present in population databases (gnomAD no frequency). This sequence change replaces valine, which is neutral and non-polar, with glycine, which is neutral and non-polar, at codon 787 of the RAD50 protein (p.Val787Gly).